The following is an entry in ClinVar:

NM_002878.4(RAD51D):c.337A>G (p.Lys113Glu)

Genes: RAD51L3-RFFL (RAD51L3-RFFL readthrough; minus strand), RAD51D (RAD51 paralog D; minus strand). Cytogenetic location: 17q12.
Variant type: single nucleotide variant.
Coding change: c.337A>G on transcript NM_002878.4 (MANE Select); coding-DNA position 337, A replaced by G.
Protein change: p.Lys113Glu; replaces lysine 113 with glutamic acid.
Molecular consequence: missense variant. On other transcripts: non-coding transcript variant (2), intron variant (1).
Genome position (GRCh38, 1-based): chr17:35,107,374, T>C on the plus strand (A>G on the coding strand, the complement: RAD51D is on the minus strand). VCF-style: chr17-35107374-T-C. GRCh37 (hg19) VCF-style: chr17-33434393-T-C.
Other names: c.397A>G, p.Lys133Glu (NM_001142571.2); c.145-893A>G (NM_133629.3); short protein forms K113E, K133E.
Identifiers: ClinVar variation 1171377 (VCV001171377.5), dbSNP rs2142436494, ClinGen allele CA399089899.
Genomic context (GRCh38, chr17:35,107,374, plus strand): 5'-GCATCTACCACCCTCACCCCTAAATCCTCCTGACTGCTGGCCTCACATGTACCTGAGTTT[T>C]GCCGCTACCTGGGCCTCCTACAATTTCAGTCACTTCTCCAGTATAGAGACCAGCATCAAG-3'
Protein context (NP_002869.3, residues 103-123): TEIVGGPGSG[Lys113Glu]TQVCLCMAAN

ClinVar aggregate classification (germline): Uncertain significance. Review status: criteria provided, multiple submitters, no conflicts (2 of 4 stars). 2 submissions from 2 submitters: Uncertain significance (2). Last evaluated 2024-03-07.

Conditions:
Hereditary cancer-predisposing syndrome. Also called: Tumor predisposition; Hereditary neoplastic syndrome; Hereditary Cancer Syndrome; Neoplastic Syndromes, Hereditary. Identifiers: Orphanet 140162, MedGen C0027672, MeSH D009386, MONDO:0015356.

Submissions (2):

Color Diagnostics, LLC DBA Color Health
Classification: Uncertain significance for Hereditary cancer-predisposing syndrome. Last evaluated: 2024-03-07. Review status: criteria provided, single submitter. Criteria: ACMG Guidelines, 2015. Collection method: clinical testing. Allele origin: germline.
Comment: This missense variant replaces lysine with glutamic acid at codon 113 of the RAD51D protein. Computational prediction suggests that this variant may have deleterious impact on protein structure and function (internally defined REVEL score threshold >= 0.7, PMID: 27666373). To our knowledge, functional studies have not been reported for this variant. This variant has not been reported in individuals affected with hereditary cancer in the literature. This variant has not been identified in the general population by the Genome Aggregation Database (gnomAD). The available evidence is insufficient to determine the role of this variant in disease conclusively. Therefore, this variant is classified as a Variant of Uncertain Significance.

Ambry Genetics
Classification: Uncertain significance for Hereditary cancer-predisposing syndrome. Last evaluated: 2021-09-22. Review status: criteria provided, single submitter. Criteria: Ambry Variant Classification Scheme 2023. Collection method: clinical testing. Allele origin: germline.
Comment: The p.K113E variant (also known as c.337A>G), located in coding exon 4 of the RAD51D gene, results from an A to G substitution at nucleotide position 337. The lysine at codon 113 is replaced by glutamic acid, an amino acid with similar properties. This amino acid position is conserved. In addition, this alteration is predicted to be deleterious by in silico analysis. Since supporting evidence is limited at this time, the clinical significance of this alteration remains unclear.